The following is an entry in ClinVar:

ClinVar aggregate classification (germline): Conflicting classifications of pathogenicity. Review status: criteria provided, conflicting classifications (1 of 4 stars). 3 submissions from 3 submitters: Uncertain significance (2); Benign (1). Last evaluated 2026-01-14.

Conditions:
PHIP-related disorder. Also called: PHIP-related disorders; PHIP-related condition.
Inborn genetic diseases. Identifiers: MedGen C0950123, MeSH D030342.

Allele frequency attached by ClinVar (database versions not stated): gnomAD exomes below 0.00001; gnomAD 0.00001; TOPMed 0.00001.
gnomAD v4.1: 4 of 1,598,464 alleles (0.00025%); highest among the groups gnomAD compares: African/African-American, 0.0013%; no homozygotes.

Submissions (3):

PreventionGenetics, part of Exact Sciences
Classification: Uncertain significance for PHIP-related condition. Last evaluated: 2026-01-14. Review status: criteria provided, single submitter. Criteria: ACMG Guidelines, 2015. Collection method: clinical testing. Allele origin: germline.
Comment: The PHIP c.2830A>G variant is predicted to result in the amino acid substitution p.Thr944Ala. To our knowledge, this variant has not been reported in the literature. This variant is reported in 0.0029% of alleles in individuals of Latino descent in gnomAD. At this time, the clinical significance of this variant is uncertain due to the absence of conclusive functional and genetic evidence.

Labcorp Genetics (formerly Invitae), Labcorp
Classification: Benign. Last evaluated: 2023-10-05. Review status: criteria provided, single submitter. Criteria: Invitae Variant Classification Sherloc (09022015). Collection method: clinical testing. Allele origin: germline.

Ambry Genetics
Classification: Uncertain significance for Inborn genetic diseases. Last evaluated: 2021-09-27. Review status: criteria provided, single submitter. Criteria: Ambry Variant Classification Scheme 2023. Collection method: clinical testing. Allele origin: germline.

NM_017934.7(PHIP):c.2830A>G (p.Thr944Ala)

Genes: IRAK1BP1 (interleukin 1 receptor associated kinase 1 binding protein 1; plus strand), PHIP (PHIP subunit of CUL4-Ring ligase complex; minus strand). Cytogenetic location: 6q14.1.
Variant type: single nucleotide variant.
Coding change: c.2830A>G on transcript NM_017934.7 (MANE Select); coding-DNA position 2830, A replaced by G.
Protein change: p.Thr944Ala; replaces threonine 944 with alanine.
Molecular consequence: missense variant.
Genome position (GRCh38, 1-based): chr6:78,978,651, T>C on the plus strand (A>G on the coding strand, the complement: PHIP is on the minus strand). VCF-style: chr6-78978651-T-C. GRCh37 (hg19) VCF-style: chr6-79688368-T-C.
Other names: c.2830A>G (NM_017934.5, NM_017934.6); short protein forms T944A.
Identifiers: ClinVar variation 2192802 (VCV002192802.6), dbSNP rs1258760779, ClinGen allele CA364648677.
Genomic context (GRCh38, chr6:78,978,651, plus strand): 5'-CCTCATCACCCATCTGTGGCACAAATGGACATCTTCGGGGAATGGTATCTGTAATCCATG[T>C]TGATGGCAACCATTCTTCTAATGTCAAACCATTTTCAGTTAGTTCTCCCACAGCCAATCT-3'
Protein context (NP_060404.4, residues 934-954): GLTLEEWLPS[Thr944Ala]WITDTIPRRC